The following is an entry in ClinVar:

NM_015202.5(KATNIP):c.2130C>T (p.Asp710=)

Gene: KATNIP (katanin interacting protein; plus strand). Cytogenetic location: 16p12.1.
Variant type: single nucleotide variant.
Coding change: c.2130C>T on transcript NM_015202.5 (MANE Select); coding-DNA position 2130, C replaced by T.
Protein change: p.Asp710=; no amino-acid change (aspartic acid 710 retained).
Molecular consequence: synonymous variant.
Genome position (GRCh38, 1-based): chr16:27,740,427, C>T. VCF-style: chr16-27740427-C-T. GRCh37 (hg19) VCF-style: chr16-27751748-C-T.
Other names: p.Asp710=; c.2130C>T (NM_015202.4).
Identifiers: ClinVar variation 715681 (VCV000715681.29), dbSNP rs60859318, ClinGen allele CA7977900.

ClinVar aggregate classification (germline): Benign/Likely benign. Review status: criteria provided, multiple submitters, no conflicts (2 of 4 stars). 5 submissions from 5 submitters: Benign (2); Likely benign (3). Last evaluated 2026-03-01.

Allele frequency attached by ClinVar (database versions not stated): gnomAD exomes 0.00037 and 0.00117; ExAC 0.00154; ESP Exome Variant Server 0.00431; gnomAD 0.00433 and 0.00450; TOPMed 0.00475; 1000 Genomes Project 30x 0.00906; 1000 Genomes Project 0.00919.
gnomAD v4.1: 1,237 of 1,614,014 alleles (0.077%); highest among the groups gnomAD compares: African/African-American, 1.4%; 11 homozygotes.

Submissions (5):

CeGaT Center for Human Genetics Tuebingen
Classification: Likely benign. Last evaluated: 2026-03-01. Review status: criteria provided, single submitter. Criteria: CeGaT Center For Human Genetics Tuebingen Variant Classification Criteria Version 2. Collection method: clinical testing. Allele origin: germline. Affected: yes. Observed: 3 variant alleles.
Comment: KATNIP: BP4, BP7, BS1

Mayo Clinic Laboratories, Mayo Clinic
Classification: Likely benign. Last evaluated: 2025-09-28. Review status: criteria provided, single submitter. Criteria: ACMG Guidelines, 2015. Collection method: clinical testing. Allele origin: germline. Observed: 1 variant allele.
Comment: BS1, BP4, BP7

Labcorp Genetics (formerly Invitae), Labcorp
Classification: Benign. Last evaluated: 2025-08-08. Review status: criteria provided, single submitter. Criteria: Invitae Variant Classification Sherloc (09022015). Collection method: clinical testing. Allele origin: germline.

Blueprint Genetics
Classification: Likely benign. Last evaluated: 2024-09-24. Review status: criteria provided, single submitter. Criteria: ACMG Guidelines, 2015. Collection method: clinical testing. Allele origin: germline.

Breakthrough Genomics
Classification: Benign. Review status: criteria provided, single submitter. Criteria: ACMG Guidelines, 2015. Collection method: not provided. Allele origin: germline. Inheritance: Autosomal recessive inheritance. Affected: yes.